The following is an entry in ClinVar:

ClinVar aggregate classification (germline): Uncertain significance. Review status: criteria provided, multiple submitters, no conflicts (2 of 4 stars). 2 submissions from 2 submitters: Uncertain significance (2). Last evaluated 2025-05-15.

Conditions:
Inborn genetic diseases. Identifiers: MedGen C0950123, MeSH D030342.

gnomAD v4.1: 62 of 1,614,140 alleles (0.0038%); highest among the groups gnomAD compares: Admixed American, 0.027%; no homozygotes.

Submissions (2):

Ambry Genetics
Classification: Uncertain significance for Inborn genetic diseases. Last evaluated: 2025-05-15. Review status: criteria provided, single submitter. Criteria: Ambry Variant Classification Scheme 2023. Collection method: clinical testing. Allele origin: germline.

GeneDx
Classification: Uncertain significance. Last evaluated: 2024-07-08. Review status: criteria provided, single submitter. Criteria: GeneDx Variant Classification Process June 2021. Collection method: clinical testing. Allele origin: germline. Affected: yes.
Comment: In silico analysis indicates that this missense variant does not alter protein structure/function; Has not been previously published as pathogenic or benign to our knowledge

NM_052844.4(DYNC2I2):c.310G>A (p.Asp104Asn)

Gene: DYNC2I2 (dynein 2 intermediate chain 2; minus strand). Cytogenetic location: 9q34.11.
Variant type: single nucleotide variant.
Coding change: c.310G>A on transcript NM_052844.4 (MANE Select); coding-DNA position 310, G replaced by A.
Protein change: p.Asp104Asn; replaces aspartic acid 104 with asparagine.
Molecular consequence: missense variant.
Genome position (GRCh38, 1-based): chr9:128,640,816, C>T on the plus strand (G>A on the coding strand, the complement: DYNC2I2 is on the minus strand). VCF-style: chr9-128640816-C-T. GRCh37 (hg19) VCF-style: chr9-131403095-C-T.
Other names: short protein forms D104N.
Identifiers: ClinVar variation 3572695 (VCV003572695.2).